The following is an entry in ClinVar:

NM_177438.3(DICER1):c.4051-7G>A

Gene: DICER1 (dicer 1, ribonuclease III; minus strand). Cytogenetic location: 14q32.13.
Variant type: single nucleotide variant.
Coding change: c.4051-7G>A on transcript NM_177438.3 (MANE Select); 7 bases into the intron before coding-DNA position 4051, G replaced by A.
Molecular consequence: intron variant.
Genome position (GRCh38, 1-based): chr14:95,099,942, C>T on the plus strand (G>A on the coding strand, the complement: DICER1 is on the minus strand). VCF-style: chr14-95099942-C-T. GRCh37 (hg19) VCF-style: chr14-95566279-C-T.
Other names: c.4051-7G>A (NM_001291628.2, NM_030621.4, NM_001271282.3 and 1 more transcripts).
Identifiers: ClinVar variation 720075 (VCV000720075.12), dbSNP rs1463004828, ClinGen allele CA616115643.
Genomic context (GRCh38, chr14:95,099,942, plus strand): 5'-GCGGCTGGGTAGTCCCTTCTTTTTTCCAAGGCGATACAGATTACAGTTGCTGACCTTTAG[C>T]AGAAAATATTAGGATACTTATCCATAAATGATCACTGCTGGAATTCATTCAAGGCATATT-3'

ClinVar aggregate classification (germline): Likely benign. Review status: criteria provided, multiple submitters, no conflicts (2 of 4 stars). 3 submissions from 3 submitters: Likely benign (3). Last evaluated 2026-04-13.

Conditions:
DICER1-related tumor predisposition. Also called: DICER1-related pleuropulmonary blastoma cancer predisposition syndrome; DICER1 syndrome. Identifiers: Orphanet 284343, MedGen C3839822, MONDO:0100216.
DICER1-related disorder. Also called: DICER1-related condition.

Allele frequency attached by ClinVar (database versions not stated): gnomAD exomes below 0.00001.

Submissions (3):

Myriad Genetics, Inc.
Classification: Likely benign for DICER1-related tumor predisposition. Last evaluated: 2026-04-13. Review status: criteria provided, single submitter. Criteria: Myriad Autosomal Dominant, Autosomal Recessive and X-Linked Classification Criteria (2023). Collection method: clinical testing. Allele origin: unknown.
Comment: This variant is considered likely benign. This variant is intronic and is not expected to impact mRNA splicing.

PreventionGenetics, part of Exact Sciences
Classification: Likely benign for DICER1-related condition. Last evaluated: 2025-12-04. Review status: criteria provided, single submitter. Criteria: ACMG Guidelines, 2015. Collection method: clinical testing. Allele origin: germline.
Comment: This variant is classified as likely benign based on ACMG/AMP sequence variant interpretation guidelines (Richards et al. 2015 PMID: 25741868, with internal and published modifications).

Labcorp Genetics (formerly Invitae), Labcorp
Classification: Likely benign for DICER1-related tumor predisposition. Last evaluated: 2023-01-24. Review status: criteria provided, single submitter. Criteria: Invitae Variant Classification Sherloc (09022015). Collection method: clinical testing. Allele origin: germline.